The following is an entry in ClinVar:

ClinVar aggregate classification (germline): Likely pathogenic (1 of 4 stars; one submission).

Conditions:
Coffin-Siris syndrome 1 (CSS1). Also called: ARID1B-Related Coffin-Siris Syndrome; Mental retardation, autosomal dominant 12. Identifiers: Orphanet 1465, MedGen C3281201, MONDO:0007617, OMIM 135900. Disease mechanism: gain of function.

Submission:

3billion
Classification: Likely pathogenic for Coffin-Siris syndrome 1. Last evaluated: 2023-08-16. Review status: criteria provided, single submitter. Criteria: ACMG Guidelines, 2015. Collection method: clinical testing. Allele origin: germline. Affected: yes.
Comment: The variant is not observed in the gnomAD v2.1.1 dataset. Predicted Consequence/Location: Frameshift: predicted to result in a loss or disruption of normal protein function through nonsense-mediated decay (NMD) or protein truncation. Multiple pathogenic variants are reported downstream of the variant. Therefore, this variant is classified as Likely pathogenic according to the recommendation of ACMG/AMP guideline.

NM_001374828.1(ARID1B):c.2849del (p.Asn950fs)

Gene: ARID1B (AT-rich interaction domain 1B; plus strand). Cytogenetic location: 6q25.3.
Variant type: Deletion.
Coding change: c.2849del on transcript NM_001374828.1 (MANE Select); coding-DNA position 2849, one base deleted (A; older notation c.2849delA).
Protein change: p.Asn950fs; shifts the reading frame from asparagine 950.
Molecular consequence: frameshift variant.
Genome position (GRCh38, 1-based): chr6:157,148,711, A deleted; the last of 2 consecutive A bases (chr6:157,148,710-157,148,711); deleting either gives the same sequence. VCF-style (leftmost placement, unchanged base first): chr6-157148709-CA-C. GRCh37 (hg19) VCF-style: chr6-157469843-CA-C.
Other names: c.350del, p.Asn117fs (NM_001363725.2); c.2888del, p.Asn963fs (NM_001371656.1, NM_001374820.1); c.2849del, p.Asn950fs (NM_017519.3); short protein forms N117fs, N950fs, N963fs.
Identifiers: ClinVar variation 3775668 (VCV003775668.1).
Genomic context (GRCh38, chr6:157,148,709, plus strand): 5'-TAGTGGGGTGCCCAGTGCAAGCTACAGCGGCCCAGGGCCCGGTATGGGTATCAGTGCCAA[CA>C]ACCAGATGCATGGACAAGGGCCAAGCCAGCCATGTGGTGCTGTGCCCCTGGGACGAATGC-3'